The following is an entry in ClinVar:

ClinVar aggregate classification (germline): Pathogenic (1 of 4 stars; one submission).

Conditions:
Dilated cardiomyopathy 1J (CMD1J). Also called: CARDIOMYOPATHY, DILATED, WITH SENSORINEURAL HEARING LOSS, AUTOSOMAL DOMINANT. Identifiers: Orphanet 217622, MedGen C1854368, MONDO:0011541, OMIM 605362.

Submission:

Labcorp Genetics (formerly Invitae), Labcorp
Classification: Pathogenic for Dilated cardiomyopathy 1J. Last evaluated: 2021-12-10. Review status: criteria provided, single submitter. Criteria: Invitae Variant Classification Sherloc (09022015). Collection method: clinical testing. Allele origin: germline.
Comment: This variant is a gross deletion of the genomic region encompassing exon(s) 19-20 of the EYA4 gene, which includes the termination codon. This deletion extends beyond the assayed region for this gene and therefore may encompass additional genes. While this deletion is not anticipated to lead to nonsense mediated decay, it is expected to alter mRNA translation or result in a truncated protein product. This variant has not been reported in the literature in individuals affected with EYA4-related conditions. This variant disrupts a region of the EYA4 protein in which other variant(s) (p.Lys612*) have been determined to be pathogenic (PMID: 30123251; Invitae). This suggests that this is a clinically significant region of the protein, and that variants that disrupt it are likely to be disease-causing. For these reasons, this variant has been classified as Pathogenic.

Literature cited by the submitters: PubMed 30123251.

NC_000006.12:g.(?_133525015)_(133528805_?)del

Gene: EYA4 (EYA transcriptional coactivator and phosphatase 4; plus strand). Cytogenetic location: 6q23.2.
Variant type: Deletion.
Identifiers: ClinVar variation 832381 (VCV000832381.4).